The following is an entry in ClinVar:

ClinVar aggregate classification (germline): Likely benign (1 of 4 stars; one submission).

Submission:

CeGaT Center for Human Genetics Tuebingen
Classification: Likely benign. Last evaluated: 2025-05-01. Review status: criteria provided, single submitter. Criteria: CeGaT Center For Human Genetics Tuebingen Variant Classification Criteria Version 2. Collection method: clinical testing. Allele origin: germline. Affected: yes. Observed: 1 variant allele.
Comment: FCGBP: BP4, BP7

NM_003890.3(FCGBP):c.13470C>T (p.Phe4490=)

Gene: FCGBP (Fc gamma binding protein; minus strand). Cytogenetic location: 19q13.2.
Variant type: single nucleotide variant.
Coding change: c.13470C>T on transcript NM_003890.3 (MANE Select); coding-DNA position 13470, C replaced by T.
Protein change: p.Phe4490=; no amino-acid change (phenylalanine 4490 retained).
Molecular consequence: synonymous variant.
Genome position (GRCh38, 1-based): chr19:39,876,850, G>A on the plus strand (C>T on the coding strand, the complement: FCGBP is on the minus strand). VCF-style: chr19-39876850-G-A. GRCh37 (hg19) VCF-style: chr19-40367490-G-A.
Identifiers: ClinVar variation 3905709 (VCV003905709.10).